The following is an entry in ClinVar:

ClinVar aggregate classification (germline): Conflicting classifications of pathogenicity. Review status: criteria provided, conflicting classifications (1 of 4 stars). 3 submissions from 3 submitters: Pathogenic (2); Uncertain significance (1). Last evaluated 2024-03-26.

Conditions:
Autosomal dominant polycystic kidney disease. Identifiers: Orphanet 730, MedGen C0085413, MONDO:0004691.
PKD2-related disorder. Also called: PKD2-related condition.
Polycystic kidney disease 2 (PKD2). Also called: Polycystic Kidney Disease 2, Autosomal Dominant; POLYCYSTIC KIDNEY DISEASE 2 WITH OR WITHOUT POLYCYSTIC LIVER DISEASE; POLYCYSTIC KIDNEY DISEASE, ADULT, TYPE II. Identifiers: MedGen C2751306, MONDO:0013131, OMIM 613095.

Submissions (3):

Genomic Medicine Center of Excellence, King Faisal Specialist Hospital and Research Centre
Classification: Uncertain significance for Polycystic kidney disease 2. Last evaluated: 2024-03-26. Review status: criteria provided, single submitter. Criteria: ACMG Guidelines, 2015. Collection method: clinical testing. Allele origin: germline.

PreventionGenetics, part of Exact Sciences
Classification: Pathogenic for PKD2-related condition. Last evaluated: 2023-02-27. Review status: criteria provided, single submitter. Criteria: ACMG Guidelines, 2015. Collection method: clinical testing. Allele origin: germline.
Comment: The PKD2 c.1864C>T variant is predicted to result in premature protein termination (p.Gln622*). To our knowledge, this variant has not been reported in the literature or in a large population database, indicating this variant is rare. Nonsense variants in PKD2 are expected to be pathogenic. This variant is interpreted as pathogenic.

Labcorp Genetics (formerly Invitae), Labcorp
Classification: Pathogenic for Autosomal dominant polycystic kidney disease. Last evaluated: 2022-06-24. Review status: criteria provided, single submitter. Criteria: Invitae Variant Classification Sherloc (09022015). Collection method: clinical testing. Allele origin: germline.
Comment: This sequence change creates a premature translational stop signal (p.Gln622*) in the PKD2 gene. It is expected to result in an absent or disrupted protein product. Loss-of-function variants in PKD2 are known to be pathogenic (PMID: 17582161, 22863349). For these reasons, this variant has been classified as Pathogenic. This variant has not been reported in the literature in individuals affected with PKD2-related conditions. This variant is not present in population databases (gnomAD no frequency).

Literature cited by the submitters: PubMed 17582161 (cited by Labcorp Genetics (formerly Invitae), Labcorp); PubMed 22863349 (cited by Labcorp Genetics (formerly Invitae), Labcorp).

NM_000297.4(PKD2):c.1864C>T (p.Gln622Ter)

Gene: PKD2 (polycystin 2, transient receptor potential cation channel; plus strand). Cytogenetic location: 4q22.1.
Variant type: single nucleotide variant.
Coding change: c.1864C>T on transcript NM_000297.4 (MANE Select); coding-DNA position 1864, C replaced by T.
Protein change: p.Gln622Ter; replaces glutamine 622 with a stop codon.
Molecular consequence: nonsense. On other transcripts: non-coding transcript variant (1).
Genome position (GRCh38, 1-based): chr4:88,056,233, C>T. VCF-style: chr4-88056233-C-T. GRCh37 (hg19) VCF-style: chr4-88977385-C-T.
Other names: c.1864C>T (NM_000297.3); short protein forms Q622*.
Identifiers: ClinVar variation 2010145 (VCV002010145.6), dbSNP rs2475954193, ClinGen allele CA357622924.